The following is an entry in ClinVar:

NM_001130144.3(LTBP3):c.128G>T (p.Gly43Val)

Gene: LTBP3 (latent transforming growth factor beta binding protein 3; minus strand). Cytogenetic location: 11q13.1.
Variant type: single nucleotide variant.
Coding change: c.128G>T on transcript NM_001130144.3 (MANE Select); coding-DNA position 128, G replaced by T.
Protein change: p.Gly43Val; replaces glycine 43 with valine.
Molecular consequence: missense variant. On other transcripts: 5 prime UTR variant (1).
Genome position (GRCh38, 1-based): chr11:65,557,832, C>A on the plus strand (G>T on the coding strand, the complement: LTBP3 is on the minus strand). VCF-style: chr11-65557832-C-A. GRCh37 (hg19) VCF-style: chr11-65325303-C-A.
Other names: c.-220G>T (NM_001164266.1); c.128G>T, p.Gly43Val (NM_021070.4); short protein forms G43V.
Identifiers: ClinVar variation 3627187 (VCV003627187.2).

ClinVar aggregate classification (germline): Uncertain significance (1 of 4 stars; one submission).

Conditions:
Brachyolmia-amelogenesis imperfecta syndrome. Also called: Tooth agenesis, selective, 6; Dental anomalies and short stature; PLATYSPONDYLY WITH AMELOGENESIS IMPERFECTA. Identifiers: Orphanet 2899, MedGen C1832594, MONDO:0011018, OMIM 601216. Disease mechanism: loss of function.

gnomAD v4.1: 1 of 1,423,970 alleles (0.00007%); highest among the groups gnomAD compares: South Asian, 0.0014%; no homozygotes.

Submission:

Labcorp Genetics (formerly Invitae), Labcorp
Classification: Uncertain significance for Brachyolmia-amelogenesis imperfecta syndrome. Last evaluated: 2025-10-14. Review status: criteria provided, single submitter. Criteria: Invitae Variant Classification Sherloc (09022015). Collection method: clinical testing. Allele origin: germline.
Comment: This sequence change replaces glycine, which is neutral and non-polar, with valine, which is neutral and non-polar, at codon 43 of the LTBP3 protein (p.Gly43Val). This variant is not present in population databases (gnomAD no frequency). This variant has not been reported in the literature in individuals affected with LTBP3-related conditions. ClinVar contains an entry for this variant (Variation ID: 3627187). Experimental studies and prediction algorithms are not available or were not evaluated, and the functional significance of this variant is currently unknown. In summary, the available evidence is currently insufficient to determine the role of this variant in disease. Therefore, it has been classified as a Variant of Uncertain Significance.